The following is an entry in ClinVar:

ClinVar aggregate classification (germline): Uncertain significance (1 of 4 stars; one submission).

Conditions:
Hereditary spastic paraplegia 72 (SPG72A). Also called: Spastic paraplegia 72, autosomal recessive. Identifiers: Orphanet 401849, MedGen C5882669, MONDO:0014282, OMIM 615625.

Allele frequency attached by ClinVar (database versions not stated): TOPMed below 0.00001; gnomAD exomes 0.00001.
gnomAD v4.1: 4 of 1,614,018 alleles (0.00025%); highest among the groups gnomAD compares: Middle Eastern, 0.016%; no homozygotes.

Submission:

Labcorp Genetics (formerly Invitae), Labcorp
Classification: Uncertain significance for Hereditary spastic paraplegia 72. Last evaluated: 2016-12-09. Review status: criteria provided, single submitter. Criteria: Invitae Variant Classification Sherloc (09022015). Collection method: clinical testing. Allele origin: germline.
Comment: This sequence change replaces glycine with arginine at codon 250 of the REEP2 protein (p.Gly250Arg). The glycine residue is weakly conserved and there is a moderate physicochemical difference between glycine and arginine. This variant is not present in population databases (ExAC no frequency) and has not been reported in the literature in individuals with a REEP2-related disease. Algorithms developed to predict the effect of missense changes on protein structure and function (SIFT, PolyPhen-2, Align-GVGD) all suggest that this variant is likely to be tolerated, but these predictions have not been confirmed by published functional studies. In summary, this variant is a novel missense change that is not predicted to affect protein function. There is no indication that it causes disease, but the available evidence is currently insufficient to prove that conclusively. Therefore, it has been classified as a Variant of Uncertain Significance.

NM_001271803.2(REEP2):c.748G>A (p.Gly250Arg)

Gene: REEP2 (receptor accessory protein 2; plus strand). Cytogenetic location: 5q31.2.
Variant type: single nucleotide variant.
Coding change: c.748G>A on transcript NM_001271803.2 (MANE Select); coding-DNA position 748, G replaced by A.
Protein change: p.Gly250Arg; replaces glycine 250 with arginine.
Molecular consequence: missense variant. On other transcripts: non-coding transcript variant (2).
Genome position (GRCh38, 1-based): chr5:138,445,734, G>A. VCF-style: chr5-138445734-G-A. GRCh37 (hg19) VCF-style: chr5-137781423-G-A.
Other names: c.742G>A, p.Gly248Arg (NM_016606.4); short protein forms G248R, G250R.
Identifiers: ClinVar variation 474830 (VCV000474830.1), dbSNP rs1330664969, ClinGen allele CA361105855.
Genomic context (GRCh38, chr5:138,445,734, plus strand): 5'-TTTCCACAGCCACTGGCTTCCAAGACACTGAAGACCCGGCCCAAGAAGAAGACCTCTGGC[G>A]GGGGCGACTCAGCTTGAGCCCCTCCACCCCCGCAGGCTGCAGAGCAAGGATGAAGCCTCA-3'
Protein context (NP_001258732.1, residues 240-254): KTRPKKKTSG[Gly250Arg]GDSA